The following is an entry in ClinVar:

ClinVar aggregate classification (germline): Uncertain significance (1 of 4 stars; one submission).

Submission:

GeneDx
Classification: Uncertain significance. Last evaluated: 2026-03-18. Review status: criteria provided, single submitter. Criteria: GeneDx Variant Classification Process June 2021. Collection method: clinical testing. Allele origin: germline.
Comment: Not observed at significant frequency in large population cohorts (gnomAD); In silico analysis suggests that this missense variant does not alter protein structure/function; Has not been previously published as pathogenic or benign to our knowledge

NM_013275.6(ANKRD11):c.3273C>A (p.Phe1091Leu)

Gene: ANKRD11 (ankyrin repeat domain 11; minus strand). Cytogenetic location: 16q24.3.
Variant type: single nucleotide variant.
Coding change: c.3273C>A on transcript NM_013275.6 (MANE Select); coding-DNA position 3273, C replaced by A.
Protein change: p.Phe1091Leu; replaces phenylalanine 1091 with leucine.
Molecular consequence: missense variant.
Genome position (GRCh38, 1-based): chr16:89,283,269, G>T on the plus strand (C>A on the coding strand, the complement: ANKRD11 is on the minus strand). VCF-style: chr16-89283269-G-T. GRCh37 (hg19) VCF-style: chr16-89349677-G-T.
Other names: c.3273C>A, p.Phe1091Leu (NM_001256182.2, NM_001256183.2); short protein forms F1091L.
Identifiers: ClinVar variation 5009141 (VCV005009141.1).